The following is an entry in ClinVar:

ClinVar aggregate classification (germline): Uncertain significance (1 of 4 stars; one submission).

gnomAD v4.1: 3 of 1,613,752 alleles (0.00019%); highest among the groups gnomAD compares: Non-Finnish European, 0.00017%; no homozygotes.

Submission:

Labcorp Genetics (formerly Invitae), Labcorp
Classification: Uncertain significance. Last evaluated: 2022-04-13. Review status: criteria provided, single submitter. Criteria: Invitae Variant Classification Sherloc (09022015). Collection method: clinical testing. Allele origin: germline.
Comment: Advanced modeling of protein sequence and biophysical properties (such as structural, functional, and spatial information, amino acid conservation, physicochemical variation, residue mobility, and thermodynamic stability) performed at Invitae indicates that this missense variant is not expected to disrupt COL2A1 protein function. In summary, the available evidence is currently insufficient to determine the role of this variant in disease. Therefore, it has been classified as a Variant of Uncertain Significance. This variant has not been reported in the literature in individuals affected with COL2A1-related conditions. This variant is not present in population databases (gnomAD no frequency). This sequence change replaces valine, which is neutral and non-polar, with phenylalanine, which is neutral and non-polar, at codon 235 of the COL2A1 protein (p.Val235Phe).

NM_001844.5(COL2A1):c.703G>T (p.Val235Phe)

Gene: COL2A1 (collagen type II alpha 1 chain; minus strand). Cytogenetic location: 12q13.11.
Variant type: single nucleotide variant.
Coding change: c.703G>T on transcript NM_001844.5 (MANE Select); coding-DNA position 703, G replaced by T.
Protein change: p.Val235Phe; replaces valine 235 with phenylalanine.
Molecular consequence: missense variant.
Genome position (GRCh38, 1-based): chr12:47,995,715, C>A on the plus strand (G>T on the coding strand, the complement: COL2A1 is on the minus strand). VCF-style: chr12-47995715-C-A. GRCh37 (hg19) VCF-style: chr12-48389498-C-A.
Other names: c.496G>T, p.Val166Phe (NM_033150.3); short protein forms V166F, V235F.
Identifiers: ClinVar variation 2096398 (VCV002096398.4), dbSNP rs767618731, ClinGen allele CA384523613.
Genomic context (GRCh38, chr12:47,995,715, plus strand): 5'-TGGTCTATCATTAGAGGCTCCCCCAGAGAAGGGACAGGGCCGTGCTGGTACTCACAGAGA[C>A]ACCAGGTTCACCAGGTTCACCAGGATTGCCTTGAAATCCTTGAGGCCCCTAAAAAGTAAA-3'
Protein context (NP_001835.3, residues 225-245): GNPGEPGEPG[Val235Phe]SGPMGPRGPP